The following is an entry in ClinVar:

ClinVar aggregate classification (germline): Uncertain significance (1 of 4 stars; one submission).

Allele frequency attached by ClinVar (database versions not stated): gnomAD exomes below 0.00001; gnomAD 0.00001.
gnomAD v4.1: 2 of 1,612,168 alleles (0.00012%); highest among the groups gnomAD compares: Admixed American, 0.0033%; no homozygotes.

Submission:

Labcorp Genetics (formerly Invitae), Labcorp
Classification: Uncertain significance. Last evaluated: 2024-10-29. Review status: criteria provided, single submitter. Criteria: Invitae Variant Classification Sherloc (09022015). Collection method: clinical testing. Allele origin: germline.
Comment: This sequence change replaces glutamine, which is neutral and polar, with proline, which is neutral and non-polar, at codon 690 of the PDE6B protein (p.Gln690Pro). This variant is not present in population databases (gnomAD no frequency). This variant has not been reported in the literature in individuals affected with PDE6B-related conditions. ClinVar contains an entry for this variant (Variation ID: 1042156). Invitae Evidence Modeling of protein sequence and biophysical properties (such as structural, functional, and spatial information, amino acid conservation, physicochemical variation, residue mobility, and thermodynamic stability) has been performed for this missense variant. However, the output from this modeling did not meet the statistical confidence thresholds required to predict the impact of this variant on PDE6B protein function. In summary, the available evidence is currently insufficient to determine the role of this variant in disease. Therefore, it has been classified as a Variant of Uncertain Significance.

NM_000283.4(PDE6B):c.2069A>C (p.Gln690Pro)

Gene: PDE6B (phosphodiesterase 6B; plus strand). Cytogenetic location: 4p16.3.
Variant type: single nucleotide variant.
Coding change: c.2069A>C on transcript NM_000283.4 (MANE Select); coding-DNA position 2069, A replaced by C.
Protein change: p.Gln690Pro; replaces glutamine 690 with proline.
Molecular consequence: missense variant.
Genome position (GRCh38, 1-based): chr4:664,161, A>C. VCF-style: chr4-664161-A-C. GRCh37 (hg19) VCF-style: chr4-657950-A-C.
Other names: c.2069A>C, p.Gln690Pro (NM_001145291.2); c.1232A>C, p.Gln411Pro (NM_001145292.2, NM_001350154.3, NM_001379246.1 and 1 more transcripts); c.914A>C, p.Gln305Pro (NM_001350155.3); short protein forms Q305P, Q411P, Q690P.
Identifiers: ClinVar variation 1042156 (VCV001042156.8), dbSNP rs1560135667, ClinGen allele CA355918929.
Genomic context (GRCh38, chr4:664,161, plus strand): 5'-TCCCTGGGTTCAGGAAGAGAGCGATGTTTCAGAAGATCGTGGATGAGTCCAAGAACTACC[A>C]GGACAAGAAGAGCTGGGTGGAGTACCTGTCCCTGGAGACGACCCGGAAGGAGATCGTCAT-3'
Protein context (NP_000274.3, residues 680-700): QKIVDESKNY[Gln690Pro]DKKSWVEYLS